The following is an entry in ClinVar:

ClinVar aggregate classification (germline): Uncertain significance (1 of 4 stars; one submission).

Conditions:
Mowat-Wilson syndrome (MOWS). Also called: Classic Mowat-Wilson Syndrome. Identifiers: Orphanet 2152, MedGen C1856113, MONDO:0009341, OMIM 235730.

Submission:

Labcorp Genetics (formerly Invitae), Labcorp
Classification: Uncertain significance for Mowat-Wilson syndrome. Last evaluated: 2023-10-28. Review status: criteria provided, single submitter. Criteria: Invitae Variant Classification Sherloc (09022015). Collection method: clinical testing. Allele origin: germline.
Comment: This sequence change replaces serine, which is neutral and polar, with phenylalanine, which is neutral and non-polar, at codon 322 of the ZEB2 protein (p.Ser322Phe). This variant is not present in population databases (gnomAD no frequency). This variant has not been reported in the literature in individuals affected with ZEB2-related conditions. Advanced modeling of protein sequence and biophysical properties (such as structural, functional, and spatial information, amino acid conservation, physicochemical variation, residue mobility, and thermodynamic stability) performed at Invitae indicates that this missense variant is expected to disrupt ZEB2 protein function with a positive predictive value of 80%. In summary, the available evidence is currently insufficient to determine the role of this variant in disease. Therefore, it has been classified as a Variant of Uncertain Significance.

NM_014795.4(ZEB2):c.965C>T (p.Ser322Phe)

Gene: ZEB2 (zinc finger E-box binding homeobox 2; minus strand). Cytogenetic location: 2q22.3.
Variant type: single nucleotide variant.
Coding change: c.965C>T on transcript NM_014795.4 (MANE Select); coding-DNA position 965, C replaced by T.
Protein change: p.Ser322Phe; replaces serine 322 with phenylalanine.
Molecular consequence: missense variant.
Genome position (GRCh38, 1-based): chr2:144,400,222, G>A on the plus strand (C>T on the coding strand, the complement: ZEB2 is on the minus strand). VCF-style: chr2-144400222-G-A. GRCh37 (hg19) VCF-style: chr2-145157789-G-A.
Other names: c.893C>T, p.Ser298Phe (NM_001171653.2); short protein forms S298F, S322F.
Identifiers: ClinVar variation 2772228 (VCV002772228.3), dbSNP rs2549107195, ClinGen allele CA348713315.